The following is an entry in ClinVar:

NM_000124.4(ERCC6):c.2819C>G (p.Thr940Arg)

Genes: ERCC6 (ERCC excision repair 6, chromatin remodeling factor; minus strand), LOC126860933 (BRD4-independent group 4 enhancer GRCh37_chr10:50679962-50681161; plus strand). Cytogenetic location: 10q11.23.
Variant type: single nucleotide variant.
Coding change: c.2819C>G on transcript NM_000124.4 (MANE Select); coding-DNA position 2819, C replaced by G.
Protein change: p.Thr940Arg; replaces threonine 940 with arginine.
Molecular consequence: missense variant.
Genome position (GRCh38, 1-based): chr10:49,472,919, G>C on the plus strand (C>G on the coding strand, the complement: ERCC6 is on the minus strand). VCF-style: chr10-49472919-G-C. GRCh37 (hg19) VCF-style: chr10-50680965-G-C.
Other names: c.2819C>G, p.Thr940Arg (NM_001346440.2); short protein forms T940R.
Identifiers: ClinVar variation 2181090 (VCV002181090.1), dbSNP rs776004687, ClinGen allele CA376718969.

ClinVar aggregate classification (germline): Uncertain significance (1 of 4 stars; one submission).

gnomAD v4.1: 7 of 1,613,648 alleles (0.00043%); highest among the groups gnomAD compares: Admixed American, 0.0033%; no homozygotes.

Submission:

Labcorp Genetics (formerly Invitae), Labcorp
Classification: Uncertain significance. Last evaluated: 2022-08-08. Review status: criteria provided, single submitter. Criteria: Invitae Variant Classification Sherloc (09022015). Collection method: clinical testing. Allele origin: germline.
Comment: This sequence change replaces threonine, which is neutral and polar, with arginine, which is basic and polar, at codon 940 of the ERCC6 protein (p.Thr940Arg). This variant is not present in population databases (gnomAD no frequency). This variant has not been reported in the literature in individuals affected with ERCC6-related conditions. Algorithms developed to predict the effect of missense changes on protein structure and function (SIFT, PolyPhen-2, Align-GVGD) all suggest that this variant is likely to be disruptive. In summary, the available evidence is currently insufficient to determine the role of this variant in disease. Therefore, it has been classified as a Variant of Uncertain Significance.